The following is an entry in ClinVar:

NM_001165963.4(SCN1A):c.2068A>G (p.Arg690Gly)

Gene: SCN1A (sodium voltage-gated channel alpha subunit 1; minus strand). Cytogenetic location: 2q24.3.
Variant type: single nucleotide variant.
Coding change: c.2068A>G on transcript NM_001165963.4 (MANE Select); coding-DNA position 2068, A replaced by G.
Protein change: p.Arg690Gly; replaces arginine 690 with glycine.
Molecular consequence: missense variant. On other transcripts: 5 prime UTR variant (1), non-coding transcript variant (1).
Genome position (GRCh38, 1-based): chr2:166,042,400, T>C on the plus strand (A>G on the coding strand, the complement: SCN1A is on the minus strand). VCF-style: chr2-166042400-T-C. GRCh37 (hg19) VCF-style: chr2-166898910-T-C.
Other names: c.1984A>G, p.Arg662Gly (NM_001165964.3, NM_001353957.2, NM_001353958.2); c.2068A>G, p.Arg690Gly (NM_001202435.3, NM_001353948.2); c.2035A>G, p.Arg679Gly (NM_001353949.2, NM_001353950.2, NM_001353951.2 and 2 more transcripts); c.2032A>G, p.Arg678Gly (NM_001353954.2, NM_001353955.2); c.1981A>G, p.Arg661Gly (NM_001353960.2); c.-391A>G (NM_001353961.2); short protein forms R662G, R679G, R661G, R678G, R690G.
Identifiers: ClinVar variation 1410468 (VCV001410468.7), dbSNP rs939867202, ClinGen allele CA349066094.
Genomic context (GRCh38, chr2:166,042,400, plus strand): 5'-TTTGGGAAGGATCTTCTAGAAAGTCCATGGAAACGTGGAAAGAACTTGACCTTCTCTTTC[T>C]CATTTCAGTTTCAGTGGTTGTTCCCTGTAAAAAAAAATGCTAATGCATTAAACAATTAAT-3'
Protein context (NP_001159435.1, residues 680-700): DNGTTTETEM[Arg690Gly]KRRSSSFHVS

ClinVar aggregate classification (germline): Uncertain significance (1 of 4 stars; one submission).

Conditions:
Early-infantile DEE. Also called: Early infantile epileptic encephalopathy; Ohtahara syndrome; Early infantile epileptic encephalopathy with suppression bursts. Identifiers: Orphanet 1934, MedGen C0393706, MONDO:0800491.

Submission:

Labcorp Genetics (formerly Invitae), Labcorp
Classification: Uncertain significance for Early-infantile DEE. Last evaluated: 2021-11-02. Review status: criteria provided, single submitter. Criteria: Invitae Variant Classification Sherloc (09022015). Collection method: clinical testing. Allele origin: germline.
Comment: This variant is not present in population databases (gnomAD no frequency). In summary, the available evidence is currently insufficient to determine the role of this variant in disease. Therefore, it has been classified as a Variant of Uncertain Significance. Advanced modeling of protein sequence and biophysical properties (such as structural, functional, and spatial information, amino acid conservation, physicochemical variation, residue mobility, and thermodynamic stability) performed at Invitae indicates that this missense variant is not expected to disrupt SCN1A protein function. This missense change has been observed in individual(s) with clinical features of SCN1A-related conditions (Invitae). This sequence change replaces arginine, which is basic and polar, with glycine, which is neutral and non-polar, at codon 690 of the SCN1A protein (p.Arg690Gly).